The following is an entry in ClinVar:

ClinVar aggregate classification (germline): Conflicting classifications of pathogenicity. Review status: criteria provided, conflicting classifications (1 of 4 stars). 4 submissions from 4 submitters: Uncertain significance (1); Likely benign (2). 1 of the submissions does not count toward it. Last evaluated 2025-11-30.

Conditions:
CRB2-related disorder. Also called: CRB2-related condition; CRB2-related disorders.

Allele frequency attached by ClinVar (database versions not stated): gnomAD 0.00003; gnomAD exomes 0.00003 and 0.00006; ExAC 0.00004; TOPMed 0.00005; ESP Exome Variant Server 0.00015.
gnomAD v4.1: 53 of 1,612,442 alleles (0.0033%); highest among the groups gnomAD compares: East Asian, 0.0067%; no homozygotes.

Submissions (4):

Labcorp Genetics (formerly Invitae), Labcorp
Classification: Likely benign. Last evaluated: 2025-11-30. Review status: criteria provided, single submitter. Criteria: Invitae Variant Classification Sherloc (09022015). Collection method: clinical testing. Allele origin: germline.

Women's Health and Genetics/Laboratory Corporation of America, LabCorp
Classification: Likely benign. Last evaluated: 2025-05-08. Review status: criteria provided, single submitter. Criteria: LabCorp Variant Classification Summary - May 2015. Collection method: clinical testing. Allele origin: germline.

Blueprint Genetics
Classification: Uncertain significance. Last evaluated: 2024-08-19. Review status: criteria provided, single submitter. Criteria: ACMG Guidelines, 2015. Collection method: clinical testing. Allele origin: germline.

PreventionGenetics, part of Exact Sciences
Classification: Likely benign for CRB2-related condition. Last evaluated: 2020-09-28. Review status: no assertion criteria provided. Collection method: clinical testing. Allele origin: germline. Not counted in ClinVar's aggregate classification.
Comment: This variant is classified as likely benign based on ACMG/AMP sequence variant interpretation guidelines (Richards et al. 2015 PMID: 25741868, with internal and published modifications).

NM_173689.7(CRB2):c.237C>T (p.Gly79=)

Gene: CRB2 (crumbs cell polarity complex component 2; plus strand). Cytogenetic location: 9q33.3.
Variant type: single nucleotide variant.
Coding change: c.237C>T on transcript NM_173689.7 (MANE Select); coding-DNA position 237, C replaced by T.
Protein change: p.Gly79=; no amino-acid change (glycine 79 retained).
Molecular consequence: synonymous variant.
Genome position (GRCh38, 1-based): chr9:123,363,007, C>T. VCF-style: chr9-123363007-C-T. GRCh37 (hg19) VCF-style: chr9-126125286-C-T.
Other names: c.237C>T (NM_173689.6).
Identifiers: ClinVar variation 1432119 (VCV001432119.12), dbSNP rs141421447, ClinGen allele CA5231584.